The following is an entry in ClinVar:

ClinVar aggregate classification (germline): Uncertain significance (1 of 4 stars; one submission).

Conditions:
Cohen syndrome (COH1). Also called: Cutis verticis gyrata, retinitis pigmentosa, and sensorineural deafness; PEPPER SYNDROME. Identifiers: Orphanet 193, MedGen C0265223, MONDO:0008999, OMIM 216550.

Submission:

Labcorp Genetics (formerly Invitae), Labcorp
Classification: Uncertain significance for Cohen syndrome. Last evaluated: 2021-09-25. Review status: criteria provided, single submitter. Criteria: Invitae Variant Classification Sherloc (09022015). Collection method: clinical testing. Allele origin: germline.
Comment: In summary, the available evidence is currently insufficient to determine the role of this variant in disease. Therefore, it has been classified as a Variant of Uncertain Significance. Algorithms developed to predict the effect of missense changes on protein structure and function are either unavailable or do not agree on the potential impact of this missense change (SIFT: "Not Available"; PolyPhen-2: "Benign"; Align-GVGD: "Not Available"). This sequence change replaces alanine with glutamic acid at codon 2158 of the VPS13B protein (p.Ala2158Glu). The alanine residue is moderately conserved and there is a moderate physicochemical difference between alanine and glutamic acid. This variant is not present in population databases (ExAC no frequency). This variant has not been reported in the literature in individuals affected with VPS13B-related conditions.

NM_152564.5(VPS13B):c.6398C>A (p.Ala2133Glu)

Gene: VPS13B (vacuolar protein sorting 13 homolog B; plus strand). Cytogenetic location: 8q22.2.
Variant type: single nucleotide variant.
Coding change: c.6398C>A on transcript NM_152564.5 (MANE Select); coding-DNA position 6398, C replaced by A.
Protein change: p.Ala2133Glu; replaces alanine 2133 with glutamic acid.
Molecular consequence: missense variant.
Genome position (GRCh38, 1-based): chr8:99,699,876, C>A. VCF-style: chr8-99699876-C-A. GRCh37 (hg19) VCF-style: chr8-100712104-C-A.
Other names: c.6473C>A, p.Ala2158Glu (NM_017890.5); short protein forms A2158E, A2133E.
Identifiers: ClinVar variation 1383081 (VCV001383081.6), dbSNP rs2130181520, ClinGen allele CA371875085.